The following is an entry in ClinVar:

NM_001129820.2(SLFN14):c.958G>A (p.Val320Met)

Gene: SLFN14 (schlafen family member 14; minus strand). Cytogenetic location: 17q12.
Variant type: single nucleotide variant.
Coding change: c.958G>A on transcript NM_001129820.2 (MANE Select); coding-DNA position 958, G replaced by A.
Protein change: p.Val320Met; replaces valine 320 with methionine.
Molecular consequence: missense variant.
Genome position (GRCh38, 1-based): chr17:35,557,105, C>T on the plus strand (G>A on the coding strand, the complement: SLFN14 is on the minus strand). VCF-style: chr17-35557105-C-T. GRCh37 (hg19) VCF-style: chr17-33884124-C-T.
Other names: short protein forms V320M.
Identifiers: ClinVar variation 4980811 (VCV004980811.1).

ClinVar aggregate classification (germline): Likely benign (1 of 4 stars; one submission).

Conditions:
SLFN14-related disorder. Also called: SLFN14-related condition.

gnomAD v4.1: 2,085 of 1,551,622 alleles (0.13%); highest among the groups gnomAD compares: Non-Finnish European, 0.17%; 4 homozygotes.

Submission:

PreventionGenetics, part of Exact Sciences
Classification: Likely benign for SLFN14-related condition. Last evaluated: 2025-11-07. Review status: criteria provided, single submitter. Criteria: ACMG Guidelines, 2015. Collection method: clinical testing. Allele origin: germline.
Comment: This variant is classified as likely benign based on ACMG/AMP sequence variant interpretation guidelines (Richards et al. 2015 PMID: 25741868, with internal and published modifications).